The following is an entry in ClinVar:

NM_000108.5(DLD):c.418del (p.His140fs)

Gene: DLD (dihydrolipoamide dehydrogenase; plus strand). Cytogenetic location: 7q31.1.
Variant type: Deletion.
Coding change: c.418del on transcript NM_000108.5 (MANE Select); coding-DNA position 418, one base deleted (C; older notation c.418delC).
Protein change: p.His140fs; shifts the reading frame from histidine 140.
Molecular consequence: frameshift variant.
Genome position (GRCh38, 1-based): chr7:107,905,038, C deleted; the last of 3 consecutive C bases (chr7:107,905,036-107,905,038); deleting any one gives the same sequence. VCF-style (leftmost placement, unchanged base first): chr7-107905035-GC-G. GRCh37 (hg19) VCF-style: chr7-107545480-GC-G.
Other names: c.121del, p.His41fs (NM_001289750.1); c.349del, p.His117fs (NM_001289751.1); c.418del, p.His140fs (NM_001289752.1); short protein forms H117fs, H140fs, H41fs.
Identifiers: ClinVar variation 5012871 (VCV005012871.1).

ClinVar aggregate classification (germline): Pathogenic (1 of 4 stars; one submission).

Conditions:
Pyruvate dehydrogenase E3 deficiency (DLDD). Also called: Dihydrolipoamide Dehydrogenase (E3) Deficiency; DLD DEFICIENCY; E3 DEFICIENCY; Dihydrolipoamide Dehydrogenase E3 Deficiency; MAPLE SYRUP URINE DISEASE, TYPE III; Lipoamide dehydrogenase deficiency, lactic acidosis due to. Identifiers: Orphanet 2394, Orphanet 765, MedGen C5574660, MONDO:0009529, OMIM 246900.

Submission:

Myriad Genetics, Inc.
Classification: Pathogenic for Pyruvate dehydrogenase E3 deficiency. Last evaluated: 2024-03-29. Review status: criteria provided, single submitter. Criteria: Myriad Autosomal Dominant, Autosomal Recessive and X-Linked Classification Criteria (2023). Collection method: clinical testing. Allele origin: unknown.
Comment: NM_000108.3(DLD):c.418delC(H140Tfs*17) is expected to be pathogenic in the context of dihydrolipoamide dehydrogenase deficiency. This variant is predicted to lead to an abnormal or absent protein product due to the creation of a premature termination codon in DLD, a gene where loss-of-function variants are known to be pathogenic. Please note: this variant was assessed in the context of healthy population screening.